The following is an entry in ClinVar:

ClinVar aggregate classification (germline): Uncertain significance (1 of 4 stars; one submission).

Submission:

Labcorp Genetics (formerly Invitae), Labcorp
Classification: Uncertain significance. Last evaluated: 2025-09-28. Review status: criteria provided, single submitter. Criteria: Invitae Variant Classification Sherloc (09022015). Collection method: clinical testing. Allele origin: germline.
Comment: This variant, c.197_205dup, results in the insertion of 3 amino acid(s) of the SMARCD2 protein (p.Gly66_Ala68dup), but otherwise preserves the integrity of the reading frame. This variant is present in population databases (no rsID available, gnomAD 0.06%). This variant has not been reported in the literature in individuals affected with SMARCD2-related conditions. Experimental studies and prediction algorithms are not available or were not evaluated, and the functional significance of this variant is currently unknown. In summary, the available evidence is currently insufficient to determine the role of this variant in disease. Therefore, it has been classified as a Variant of Uncertain Significance.

NM_001098426.2(SMARCD2):c.188GCCCCGCGG[3] (p.63GPA[3])

Genes: SMARCD2 (SWI/SNF related BAF chromatin remodeling complex subunit D2; minus strand), LOC130061409 (ATAC-STARR-seq lymphoblastoid silent region 8832; plus strand). Cytogenetic location: 17q23.3.
Variant type: Microsatellite.
Coding change: c.188GCCCCGCGG[3] on transcript NM_001098426.2 (MANE Select); three copies in a row of the 9-base unit GCCCCGCGG starting at c.188; the reference has two copies in a row; one copy, 9 bases duplicated.
Protein change: p.63GPA[3].
Molecular consequence: inframe insertion.
Genome position (GRCh38, 1-based): chr17:63,842,470-63,842,478, CCGCGGGGC duplicated on the plus strand (GCCCCGCGG on the coding strand, the reverse complement: SMARCD2 is on the minus strand); duplicating any 9 consecutive bases within chr17:63,842,470-63,842,489 gives the same sequence; the position shown is the placement nearest the transcript's 3' end. VCF-style (leftmost placement, unchanged base first): chr17-63842469-G-GCCGCGGGGC. GRCh37 (hg19) VCF-style: chr17-61919829-G-GCCGCGGGGC.
Identifiers: ClinVar variation 1477715 (VCV001477715.5), dbSNP rs778582319, ClinGen allele CA627149739.
Genomic context (GRCh38, chr17:63,842,469, plus strand): 5'-CGCCCTCGCAGCGCCTCTCGCCCCCGTCCGCTCGCGTCCTCCTTGCTCACCTGGTACTGC[G>GCCGCGGGGC]CCGCGGGGCCCGCGGGGCCCATGGGGCGGAAGGCGGCGGCCCCGGGGCCCCCCACGCCTC-3'